The following is an entry in ClinVar:

ClinVar aggregate classification (germline): Pathogenic (1 of 4 stars; one submission).

Submission:

Labcorp Genetics (formerly Invitae), Labcorp
Classification: Pathogenic. Last evaluated: 2023-02-14. Review status: criteria provided, single submitter. Criteria: Invitae Variant Classification Sherloc (09022015). Collection method: clinical testing. Allele origin: germline.
Comment: This variant is not present in population databases (gnomAD no frequency). This variant has not been reported in the literature in individuals affected with SPTA1-related conditions. For these reasons, this variant has been classified as Pathogenic. This sequence change creates a premature translational stop signal (p.Tyr1538*) in the SPTA1 gene. It is expected to result in an absent or disrupted protein product. Loss-of-function variants in SPTA1 are known to be pathogenic (PMID: 9192783, 18815189, 31333484, 31723846, 32266426).

Literature cited by the submitters: PubMed 9192783; PubMed 18815189; PubMed 31333484; PubMed 31723846; PubMed 32266426.

NM_003126.4(SPTA1):c.4614C>G (p.Tyr1538Ter)

Gene: SPTA1 (spectrin alpha, erythrocytic 1; minus strand). Cytogenetic location: 1q23.1.
Variant type: single nucleotide variant.
Coding change: c.4614C>G on transcript NM_003126.4 (MANE Select); coding-DNA position 4614, C replaced by G.
Protein change: p.Tyr1538Ter; replaces tyrosine 1538 with a stop codon.
Molecular consequence: nonsense.
Genome position (GRCh38, 1-based): chr1:158,642,534, G>C on the plus strand (C>G on the coding strand, the complement: SPTA1 is on the minus strand). VCF-style: chr1-158642534-G-C. GRCh37 (hg19) VCF-style: chr1-158612324-G-C.
Other names: short protein forms Y1538*.
Identifiers: ClinVar variation 2837208 (VCV002837208.3), dbSNP rs761765384, ClinGen allele CA343030676.
Genomic context (GRCh38, chr1:158,642,534, plus strand): 5'-GACGCCATGCACCTGCTCAGATCGGCCATCGACTTCATGTGCAAAGGTCTGGTGTTTCAG[G>C]TATTTCCTCTGAAGGGAAAATGAAACAGAAATTATATTATCTTTTTATTTATGGTGACAA-3'